The following is an entry in ClinVar:

NM_003190.5(TAPBP):c.215C>G (p.Ala72Gly)

Gene: TAPBP (TAP binding protein; minus strand). Cytogenetic location: 6p21.32.
Variant type: single nucleotide variant.
Coding change: c.215C>G on transcript NM_003190.5 (MANE Select); coding-DNA position 215, C replaced by G.
Protein change: p.Ala72Gly; replaces alanine 72 with glycine.
Molecular consequence: missense variant. On other transcripts: intron variant (1).
Genome position (GRCh38, 1-based): chr6:33,313,471, G>C on the plus strand (C>G on the coding strand, the complement: TAPBP is on the minus strand). VCF-style: chr6-33313471-G-C. GRCh37 (hg19) VCF-style: chr6-33281248-G-C.
Other names: c.215C>G, p.Ala72Gly (NM_001410875.1, NM_172208.3); c.208+223C>G (NM_172209.3); short protein forms A72G.
Identifiers: ClinVar variation 2727710 (VCV002727710.3), dbSNP rs2150975029, ClinGen allele CA363621625.

ClinVar aggregate classification (germline): Uncertain significance (1 of 4 stars; one submission).

Conditions:
MHC class I deficiency. Identifiers: Orphanet 34592, MedGen C6024714, MONDO:0011476.

Submission:

Labcorp Genetics (formerly Invitae), Labcorp
Classification: Uncertain significance for MHC class I deficiency 1. Last evaluated: 2023-07-03. Review status: criteria provided, single submitter. Criteria: Invitae Variant Classification Sherloc (09022015). Collection method: clinical testing. Allele origin: germline.
Comment: In summary, the available evidence is currently insufficient to determine the role of this variant in disease. Therefore, it has been classified as a Variant of Uncertain Significance. An algorithm developed to predict the effect of missense changes on protein structure and function (PolyPhen-2) suggests that this variant is likely to be disruptive. This variant has not been reported in the literature in individuals affected with TAPBP-related conditions. This variant is not present in population databases (gnomAD no frequency). This sequence change replaces alanine, which is neutral and non-polar, with glycine, which is neutral and non-polar, at codon 72 of the TAPBP protein (p.Ala72Gly).